The following is an entry in ClinVar:

ClinVar aggregate classification (germline): Likely pathogenic. Review status: criteria provided, multiple submitters, no conflicts (2 of 4 stars). 2 submissions from 2 submitters: Likely pathogenic (2). Last evaluated 2024-03-25.

Conditions:
Fanconi anemia (FA). Also called: Fanconi's anemia. Identifiers: Orphanet 84, MedGen C0015625, MeSH D005199, MONDO:0019391.
Fanconi anemia complementation group D2. Also called: FANCD2-Related Fanconi Anemia; FANCONI PANCYTOPENIA, TYPE 4; FANCONI ANEMIA, COMPLEMENTATION GROUP D. Identifiers: Orphanet 84, MedGen C3160738, MONDO:0009214, OMIM 227646.

Allele frequency attached by ClinVar (database versions not stated): gnomAD 0.00001; TOPMed below 0.00001; gnomAD exomes 0.00001.
gnomAD v4.1: 8 of 1,596,594 alleles (0.0005%); highest among the groups gnomAD compares: Non-Finnish European, 0.00069%; no homozygotes.

Submissions (2):

Baylor Genetics
Classification: Likely pathogenic for Fanconi anemia complementation group D2. Last evaluated: 2024-03-25. Review status: criteria provided, single submitter. Criteria: ACMG Guidelines, 2015. Collection method: clinical testing. Allele origin: unknown.

Labcorp Genetics (formerly Invitae), Labcorp
Classification: Likely pathogenic for Fanconi anemia. Last evaluated: 2023-07-17. Review status: criteria provided, single submitter. Criteria: Invitae Variant Classification Sherloc (09022015). Collection method: clinical testing. Allele origin: germline.
Comment: In summary, the currently available evidence indicates that the variant is pathogenic, but additional data are needed to prove that conclusively. Therefore, this variant has been classified as Likely Pathogenic. Algorithms developed to predict the effect of sequence changes on RNA splicing suggest that this variant may disrupt the consensus splice site. ClinVar contains an entry for this variant (Variation ID: 2178191). This variant has not been reported in the literature in individuals affected with FANCD2-related conditions. This variant is present in population databases (no rsID available, gnomAD 0.0009%). This sequence change affects an acceptor splice site in intron 34 of the FANCD2 gene. It is expected to disrupt RNA splicing. Variants that disrupt the donor or acceptor splice site typically lead to a loss of protein function (PMID: 16199547), and loss-of-function variants in FANCD2 are known to be pathogenic (PMID: 17436244).

Literature cited by the submitters: PubMed 16199547 (cited by Labcorp Genetics (formerly Invitae), Labcorp); PubMed 17436244 (cited by Labcorp Genetics (formerly Invitae), Labcorp).

NM_001018115.3(FANCD2):c.3467-2A>G

Genes: FANCD2 (FA complementation group D2; plus strand), FANCD2OS (FANCD2 opposite strand; minus strand). Cytogenetic location: 3p25.3.
Variant type: single nucleotide variant.
Coding change: c.3467-2A>G on transcript NM_001018115.3 (MANE Select); the canonical splice acceptor site of the intron before coding-DNA position 3467, A replaced by G.
Molecular consequence: splice acceptor variant. On other transcripts: intron variant (1).
Genome position (GRCh38, 1-based): chr3:10,088,447, A>G. VCF-style: chr3-10088447-A-G. GRCh37 (hg19) VCF-style: chr3-10130131-A-G.
Other names: c.3467-2A>G (NM_001319984.2, NM_033084.6, NM_001374254.1); c.3356-2A>G (NM_001374253.1); c.*44-6916T>C (NM_173472.2).
Identifiers: ClinVar variation 2178191 (VCV002178191.4), dbSNP rs866731784, ClinGen allele CA70030350.